The following is an entry in ClinVar:

NM_000836.4(GRIN2D):c.2186T>C (p.Met729Thr)

Gene: GRIN2D (glutamate ionotropic receptor NMDA type subunit 2D; plus strand). Cytogenetic location: 19q13.33.
Variant type: single nucleotide variant.
Coding change: c.2186T>C on transcript NM_000836.4 (MANE Select); coding-DNA position 2186, T replaced by C.
Protein change: p.Met729Thr; replaces methionine 729 with threonine.
Molecular consequence: missense variant.
Genome position (GRCh38, 1-based): chr19:48,421,879, T>C. VCF-style: chr19-48421879-T-C. GRCh37 (hg19) VCF-style: chr19-48925136-T-C.
Other names: short protein forms M729T.
Identifiers: ClinVar variation 2053924 (VCV002053924.4), dbSNP rs2513676852, ClinGen allele CA406663980.

ClinVar aggregate classification (germline): Uncertain significance (1 of 4 stars; one submission).

Allele frequency attached by ClinVar (database versions not stated): gnomAD exomes below 0.00001.
gnomAD v4.1: 3 of 1,613,902 alleles (0.00019%); highest among the groups gnomAD compares: East Asian, 0.0022%; no homozygotes.

Submission:

Labcorp Genetics (formerly Invitae), Labcorp
Classification: Uncertain significance. Last evaluated: 2024-10-23. Review status: criteria provided, single submitter. Criteria: Invitae Variant Classification Sherloc (09022015). Collection method: clinical testing. Allele origin: germline.
Comment: This sequence change replaces methionine, which is neutral and non-polar, with threonine, which is neutral and polar, at codon 729 of the GRIN2D protein (p.Met729Thr). This variant is not present in population databases (gnomAD no frequency). This variant has not been reported in the literature in individuals affected with GRIN2D-related conditions. ClinVar contains an entry for this variant (Variation ID: 2053924). Invitae Evidence Modeling of protein sequence and biophysical properties (such as structural, functional, and spatial information, amino acid conservation, physicochemical variation, residue mobility, and thermodynamic stability) indicates that this missense variant is not expected to disrupt GRIN2D protein function with a negative predictive value of 80%. In summary, the available evidence is currently insufficient to determine the role of this variant in disease. Therefore, it has been classified as a Variant of Uncertain Significance.